The following is an entry in ClinVar:

NM_006648.4(WNK2):c.5290A>G (p.Ser1764Gly)

Gene: WNK2 (WNK lysine deficient protein kinase 2; plus strand). Cytogenetic location: 9q22.31.
Variant type: single nucleotide variant.
Coding change: c.5290A>G on transcript NM_006648.4 (MANE Select); coding-DNA position 5290, A replaced by G.
Protein change: p.Ser1764Gly; replaces serine 1764 with glycine.
Molecular consequence: missense variant.
Genome position (GRCh38, 1-based): chr9:93,292,755, A>G. VCF-style: chr9-93292755-A-G. GRCh37 (hg19) VCF-style: chr9-96055037-A-G.
Other names: c.5401A>G, p.Ser1801Gly (NM_001282394.3); short protein forms S1764G, S1801G.
Identifiers: ClinVar variation 3470423 (VCV003470423.1).

ClinVar aggregate classification (germline): Uncertain significance (1 of 4 stars; one submission).

gnomAD v4.1: 14 of 1,562,594 alleles (0.0009%); highest among the groups gnomAD compares: African/African-American, 0.015%; no homozygotes.

Submission:

Ambry Genetics
Classification: Uncertain significance. Last evaluated: 2024-11-25. Review status: criteria provided, single submitter. Criteria: Ambry Variant Classification Scheme 2023. Collection method: clinical testing. Allele origin: germline.
Comment: The p.S1764G variant (also known as c.5290A>G), located in coding exon 22 of the WNK2 gene, results from an A to G substitution at nucleotide position 5290. The serine at codon 1764 is replaced by glycine, an amino acid with similar properties. This amino acid position is conserved. In addition, this alteration is predicted to be tolerated by in silico analysis. Based on the available evidence, the clinical significance of this variant remains unclear.